The following is an entry in ClinVar:

ClinVar aggregate classification (germline): Uncertain significance (1 of 4 stars; one submission).

Submission:

Labcorp Genetics (formerly Invitae), Labcorp
Classification: Uncertain significance. Last evaluated: 2022-03-15. Review status: criteria provided, single submitter. Criteria: Invitae Variant Classification Sherloc (09022015). Collection method: clinical testing. Allele origin: germline.
Comment: This variant is not present in population databases (gnomAD no frequency). In summary, the available evidence is currently insufficient to determine the role of this variant in disease. Therefore, it has been classified as a Variant of Uncertain Significance. Variants that disrupt the consensus splice site are a relatively common cause of aberrant splicing (PMID: 17576681, 9536098). Algorithms developed to predict the effect of sequence changes on RNA splicing suggest that this variant may disrupt the consensus splice site. This variant has not been reported in the literature in individuals affected with COL2A1-related conditions. This sequence change falls in intron 20 of the COL2A1 gene. It does not directly change the encoded amino acid sequence of the COL2A1 protein. It affects a nucleotide within the consensus splice site.

Literature cited by the submitters: PubMed 17576681; PubMed 9536098.

NM_001844.5(COL2A1):c.1266+2dup

Gene: COL2A1 (collagen type II alpha 1 chain; minus strand). Cytogenetic location: 12q13.11.
Variant type: Duplication.
Coding change: c.1266+2dup on transcript NM_001844.5 (MANE Select); the canonical splice donor site of the intron after coding-DNA position 1266, one base duplicated (T; older notation c.1266+2dupT).
Molecular consequence: splice donor variant.
Genome position (GRCh38, 1-based): chr12:47,987,267, A duplicated on the plus strand (T on the coding strand, the reverse complement: COL2A1 is on the minus strand). VCF-style (leftmost placement, unchanged base first): chr12-47987266-C-CA. GRCh37 (hg19) VCF-style: chr12-48381049-C-CA.
Other names: c.1059+2dup (NM_033150.3).
Identifiers: ClinVar variation 2112830 (VCV002112830.4), dbSNP rs2540152083, ClinGen allele CA2580085527.
Genomic context (GRCh38, chr12:47,987,266, plus strand): 5'-CAGGAGAGGGGAGAGGCAGGACTGGGCTCTCCTGGGGTAGCAAAGTCCACGGGCAACACT[C>CA]ACAGCAGATCCTTTGGCTCCAGGAATTCCATCTGTTCCAGGGTTACCCTGAAAAGGGAGA-3'